The following is an entry in ClinVar:

NM_005121.3(MED13):c.3962C>T (p.Ser1321Phe)

Gene: MED13 (mediator complex subunit 13; minus strand). Cytogenetic location: 17q23.2.
Variant type: single nucleotide variant.
Coding change: c.3962C>T on transcript NM_005121.3 (MANE Select); coding-DNA position 3962, C replaced by T.
Protein change: p.Ser1321Phe; replaces serine 1321 with phenylalanine.
Molecular consequence: missense variant.
Genome position (GRCh38, 1-based): chr17:61,972,732, G>A on the plus strand (C>T on the coding strand, the complement: MED13 is on the minus strand). VCF-style: chr17-61972732-G-A. GRCh37 (hg19) VCF-style: chr17-60050093-G-A.
Other names: short protein forms S1321F.
Identifiers: ClinVar variation 4278591 (VCV004278591.2).
Genomic context (GRCh38, chr17:61,972,732, plus strand): 5'-GAAATCTGAGGACTGATATAAAATTAGTCATTATATATCACTATAAATTACTTACCATAA[G>A]AGCCTCGGCCAGCCATTTTATGAAATTGTTGCCAAGTGAGAGGACCCTGAACACCCCAAG-3'
Protein context (NP_005112.2, residues 1311-1331): QQFHKMAGRG[Ser1321Phe]YGTDESPEPL

ClinVar aggregate classification (germline): Uncertain significance (1 of 4 stars; one submission).

Submission:

GeneDx
Classification: Uncertain significance. Last evaluated: 2025-12-15. Review status: criteria provided, single submitter. Criteria: GeneDx Variant Classification Process June 2021. Collection method: clinical testing. Allele origin: germline.
Comment: Not observed at significant frequency in large population cohorts (gnomAD); In silico analysis supports that this missense variant has a deleterious effect on protein structure/function; Has not been previously published as pathogenic or benign to our knowledge